The following is an entry in ClinVar:

ClinVar aggregate classification (germline): Uncertain significance (1 of 4 stars; one submission).

Conditions:
Autosomal recessive spinocerebellar ataxia 12. Also called: SPINOCEREBELLAR ATAXIA WITH MENTAL RETARDATION AND EPILEPSY. Identifiers: Orphanet 284282, MedGen C3280452, MONDO:0013687, OMIM 614322.
Developmental and epileptic encephalopathy, 1 (DEE1). Also called: X-linked infantile spasms; West's syndrome; Tonic spasms with clustering, arrest of psychomotor development and hypsarrhythmia on EEG; X-Linked Infantile Spasm Syndrome; OHTAHARA SYNDROME, X-LINKED; INFANTILE SPASM SYNDROME, X-LINKED 1. Identifiers: MedGen C3463992, MONDO:0010632, OMIM 308350. Disease mechanism: loss of function.

Allele frequency attached by ClinVar (database versions not stated): gnomAD 0.00001 and 0.00003; gnomAD exomes 0.00001; ExAC 0.00003; 1000 Genomes Project 30x 0.00031; 1000 Genomes Project 0.00040.
gnomAD v4.1: 8 of 1,614,244 alleles (0.0005%); highest among the groups gnomAD compares: East Asian, 0.016%; no homozygotes.

Submission:

Labcorp Genetics (formerly Invitae), Labcorp
Classification: Uncertain significance for Developmental and epileptic encephalopathy, 1; Autosomal recessive spinocerebellar ataxia 12. Last evaluated: 2024-10-15. Review status: criteria provided, single submitter. Criteria: Invitae Variant Classification Sherloc (09022015). Collection method: clinical testing. Allele origin: germline.
Comment: This sequence change replaces proline, which is neutral and non-polar, with serine, which is neutral and polar, at codon 384 of the WWOX protein (p.Pro384Ser). This variant is present in population databases (rs544760115, gnomAD 0.02%). This missense change has been observed in individual(s) with clinical features of WWOX-related conditions (internal data). ClinVar contains an entry for this variant (Variation ID: 661599). Invitae Evidence Modeling of protein sequence and biophysical properties (such as structural, functional, and spatial information, amino acid conservation, physicochemical variation, residue mobility, and thermodynamic stability) indicates that this missense variant is not expected to disrupt WWOX protein function with a negative predictive value of 80%. In summary, the available evidence is currently insufficient to determine the role of this variant in disease. Therefore, it has been classified as a Variant of Uncertain Significance.

NM_016373.4(WWOX):c.1150C>T (p.Pro384Ser)

Genes: MAF (MAF bZIP transcription factor; minus strand), WWOX (WW domain containing oxidoreductase; plus strand). Cytogenetic location: 16q23.2.
Variant type: single nucleotide variant.
Coding change: c.1150C>T on transcript NM_016373.4 (MANE Select); coding-DNA position 1150, C replaced by T.
Protein change: p.Pro384Ser; replaces proline 384 with serine.
Molecular consequence: missense variant.
Genome position (GRCh38, 1-based): chr16:79,211,701, C>T. VCF-style: chr16-79211701-C-T. GRCh37 (hg19) VCF-style: chr16-79245598-C-T.
Other names: c.811C>T, p.Pro271Ser (NM_001291997.2); short protein forms P271S, P384S.
Identifiers: ClinVar variation 661599 (VCV000661599.9), dbSNP rs544760115, ClinGen allele CA8183763.